The following is an entry in ClinVar:

ClinVar aggregate classification (germline): Uncertain significance (1 of 4 stars; one submission).

Allele frequency attached by ClinVar (database versions not stated): gnomAD 0.00001; TOPMed 0.00003; ESP Exome Variant Server 0.00009.
gnomAD v4.1: 5 of 1,208,311 alleles (0.00041%); highest among the groups gnomAD compares: African/African-American, 0.007%; no homozygotes.

Submission:

GeneDx
Classification: Uncertain significance. Last evaluated: 2023-05-25. Review status: criteria provided, single submitter. Criteria: GeneDx Variant Classification Process June 2021. Collection method: clinical testing. Allele origin: germline. Affected: yes.
Comment: In silico analysis supports that this missense variant does not alter protein structure/function; Has not been previously published as pathogenic or benign to our knowledge

NM_173495.3(PTCHD1):c.1958C>G (p.Thr653Ser)

Gene: PTCHD1 (patched domain containing 1; plus strand). Cytogenetic location: Xp22.11.
Variant type: single nucleotide variant.
Coding change: c.1958C>G on transcript NM_173495.3 (MANE Select); coding-DNA position 1958, C replaced by G.
Protein change: p.Thr653Ser; replaces threonine 653 with serine.
Molecular consequence: missense variant.
Genome position (GRCh38, 1-based): chrX:23,393,476, C>G. VCF-style: chrX-23393476-C-G. GRCh37 (hg19) VCF-style: chrX-23411593-C-G.
Other names: short protein forms T653S.
Identifiers: ClinVar variation 2503273 (VCV002503273.1), dbSNP rs143336115, ClinGen allele CA327634979.